The following is an entry in ClinVar:

NM_000051.4(ATM):c.2124+14A>G

Gene: ATM (ATM serine/threonine kinase; plus strand). Cytogenetic location: 11q22.3.
Variant type: single nucleotide variant.
Coding change: c.2124+14A>G on transcript NM_000051.4 (MANE Select); 14 bases into the intron after coding-DNA position 2124, A replaced by G.
Molecular consequence: intron variant.
Genome position (GRCh38, 1-based): chr11:108,254,053, A>G. VCF-style: chr11-108254053-A-G. GRCh37 (hg19) VCF-style: chr11-108124780-A-G.
Other names: c.2124+14A>G (NM_001351834.2).
Identifiers: ClinVar variation 490453 (VCV000490453.14), dbSNP rs772719886, ClinGen allele CA6264940.

ClinVar aggregate classification (germline): Benign/Likely benign. Review status: criteria provided, multiple submitters, no conflicts (2 of 4 stars). 4 submissions from 4 submitters: Benign (1); Likely benign (2). 1 of the submissions does not count toward it. Last evaluated 2026-01-12.

Conditions:
Hereditary cancer-predisposing syndrome. Also called: Tumor predisposition; Neoplastic Syndromes, Hereditary; Hereditary Cancer Syndrome; Hereditary neoplastic syndrome. Identifiers: Orphanet 140162, MedGen C0027672, MeSH D009386, MONDO:0015356.
Ataxia-telangiectasia syndrome (AT). Also called: Ataxia-telangiectasia; Ataxia-telangiectasia, complementation group D; AT, COMPLEMENTATION GROUP C; LOUIS-BAR SYNDROME; Cerebello-oculocutaneous telangiectasia; Immunodeficiency with ataxia telangiectasia. Identifiers: Orphanet 100, MedGen C0004135, MONDO:0008840, OMIM 208900.

Allele frequency attached by ClinVar (database versions not stated): gnomAD 0.00002; gnomAD exomes 0.00002 and 0.00008; TOPMed 0.00002; ExAC 0.00003.
gnomAD v4.1: 113 of 1,609,382 alleles (0.007%); highest among the groups gnomAD compares: Non-Finnish European, 0.0094%; no homozygotes.

Submissions (4):

Labcorp Genetics (formerly Invitae), Labcorp
Classification: Likely benign for Ataxia-telangiectasia syndrome. Last evaluated: 2026-01-12. Review status: criteria provided, single submitter. Criteria: Invitae Variant Classification Sherloc (09022015). Collection method: clinical testing. Allele origin: germline.

Color Diagnostics, LLC DBA Color Health
Classification: Likely benign for Hereditary cancer-predisposing syndrome. Last evaluated: 2017-02-03. Review status: criteria provided, single submitter. Criteria: ACMG Guidelines, 2015. Collection method: clinical testing. Allele origin: germline.

GeneDx
Classification: Benign. Last evaluated: 2015-03-03. Review status: criteria provided, single submitter. Criteria: GeneDx Variant Classification Process June 2021. Collection method: clinical testing. Allele origin: germline. Affected: yes.

Department of Pathology and Laboratory Medicine, Sinai Health System
Classification: Uncertain significance. Review status: no assertion criteria provided. Collection method: clinical testing. Allele origin: unknown. Affected: yes. Observed: 1 variant allele. Study: The Canadian Open Genetics Repository (COGR). Not counted in ClinVar's aggregate classification.
Comment: The ATM c.2124+14A>G variant was not identified in the literature nor was it identified in the LOVD 3.0 databases. The variant was identified in dbSNP (ID: rs772719886) as "With Likely benign allele", and in ClinVar (classified as likely benign by Color). The variant was identified in control databases in 4 of 242842 chromosomes at a frequency of 0.00002 (Genome Aggregation Database Feb 27, 2017). The variant was observed in the following populations: African in 1 of 15042 chromosomes (freq: 0.00007), European in 3 of 109946 chromosomes (freq: 0.00003), while the variant was not observed in the Other, Latino, Ashkenazi Jewish, East Asian, Finnish, and South Asian populations. The variant occurs outside of the splicing consensus sequence and in silico or computational prediction software programs (SpliceSiteFinder, MaxEntScan, NNSPLICE, GeneSplicer) do not predict a difference in splicing. In summary, based on the above information the clinical significance of this variant cannot be determined with certainty at this time. This variant is classified as a variant of uncertain significance.